The following is an entry in ClinVar:

ClinVar aggregate classification (germline): Conflicting classifications of pathogenicity. Review status: criteria provided, conflicting classifications (1 of 4 stars). 3 submissions from 3 submitters: Uncertain significance (1); Likely benign (1). 1 of the submissions does not count toward it. Last evaluated 2023-03-23.

Conditions:
Hereditary cancer-predisposing syndrome. Also called: Tumor predisposition; Neoplastic Syndromes, Hereditary; Hereditary Cancer Syndrome; Hereditary neoplastic syndrome. Identifiers: Orphanet 140162, MedGen C0027672, MeSH D009386, MONDO:0015356.
Breast-ovarian cancer, familial, susceptibility to, 1 (BROVCA1). Also called: OVARIAN CANCER, SUSCEPTIBILITY TO; BRCA1 Hereditary Breast and Ovarian Cancer. Identifiers: Orphanet 145, MedGen C2676676, MONDO:0011450, OMIM 604370. Disease mechanism: loss of function.

Submissions (3):

University of Washington Department of Laboratory Medicine, University of Washington
Classification: Likely benign for Hereditary cancer-predisposing syndrome. Last evaluated: 2023-03-23. Review status: criteria provided, single submitter. Criteria: Dines et al. (Genet Med. 2020). Collection method: curation. Allele origin: germline.
Comment: Missense variant in a coldspot region where missense variants are very unlikely to be pathogenic (PMID:31911673).

BRCA1 coldspot (exon 11 using historical exon numbering). Reclassification based on statistical prior probability

Ambry Genetics
Classification: Uncertain significance for Hereditary cancer-predisposing syndrome. Last evaluated: 2021-07-06. Review status: criteria provided, single submitter. Criteria: Ambry Variant Classification Scheme 2023. Collection method: clinical testing. Allele origin: germline.
Comment: The p.R1076T variant (also known as c.3227G>C), located in coding exon 9 of the BRCA1 gene, results from a G to C substitution at nucleotide position 3227. The arginine at codon 1076 is replaced by threonine, an amino acid with similar properties. This amino acid position is not well conserved in available vertebrate species. In addition, the in silico prediction for this alteration is inconclusive. Since supporting evidence is limited at this time, the clinical significance of this alteration remains unclear.

Breast Cancer Information Core (BIC) (BRCA1)
Classification: Uncertain significance for Breast-ovarian cancer, familial 1. Last evaluated: 2002-05-29. Review status: no assertion criteria provided. Collection method: clinical testing. Allele origin: germline. Affected: yes. Observed: 1 variant allele. Not counted in ClinVar's aggregate classification.

NM_007294.4(BRCA1):c.3227G>C (p.Arg1076Thr)

Genes: BRCA1 (BRCA1 DNA repair associated; minus strand), LOC126862571 (BRD4-independent group 4 enhancer GRCh37_chr17:41243136-41244335; plus strand). Cytogenetic location: 17q21.31.
Variant type: single nucleotide variant.
Coding change: c.3227G>C on transcript NM_007294.4 (MANE Select); coding-DNA position 3227, G replaced by C.
Protein change: p.Arg1076Thr; replaces arginine 1076 with threonine.
Molecular consequence: missense variant. On other transcripts: intron variant (137).
Genome position (GRCh38, 1-based): chr17:43,092,304, C>G on the plus strand (G>C on the coding strand, the complement: BRCA1 is on the minus strand). VCF-style: chr17-43092304-C-G. GRCh37 (hg19) VCF-style: chr17-41244321-C-G.
Other names: c.3014G>C, p.Arg1005Thr (NM_001407571.1, NM_001407853.1, NM_001407894.1 and 9 more transcripts); c.3227G>C, p.Arg1076Thr (NM_001407581.1, NM_001407582.1, NM_001407583.1 and 30 more transcripts); c.3224G>C, p.Arg1075Thr (NM_001407587.1, NM_001407590.1, NM_001407591.1 and 22 more transcripts); c.3218G>C, p.Arg1073Thr (NM_001407646.1, NM_001407647.1); c.3104G>C, p.Arg1035Thr (NM_001407648.1, NM_001407664.1, NM_001407665.1 and 19 more transcripts); c.3101G>C, p.Arg1034Thr (NM_001407649.1, NM_001407670.1, NM_001407671.1 and 11 more transcripts); c.3149G>C, p.Arg1050Thr (NM_001407653.1, NM_001407654.1, NM_001407655.1 and 4 more transcripts); c.3146G>C, p.Arg1049Thr (NM_001407659.1, NM_001407660.1, NM_001407661.1 and 1 more transcripts); and 41 more; short protein forms R1076T, R1029T, R1035T, R1073T, R965T, R1005T, R1008T, R1034T.
Identifiers: ClinVar variation 54802 (VCV000054802.7), dbSNP rs80357313, ClinGen allele CA002090.